The following is an entry in ClinVar:

NM_024577.4(SH3TC2):c.*15235A>G

Gene: SH3TC2 (SH3 domain and tetratricopeptide repeats 2; minus strand). Cytogenetic location: 5q32.
Variant type: single nucleotide variant.
Coding change: c.*15235A>G on transcript NM_024577.4 (MANE Select); 15235 bases downstream of the stop codon, A replaced by G.
Molecular consequence: 3 prime UTR variant.
Genome position (GRCh38, 1-based): chr5:148,989,476, T>C on the plus strand (A>G on the coding strand, the complement: SH3TC2 is on the minus strand). VCF-style: chr5-148989476-T-C. GRCh37 (hg19) VCF-style: chr5-148369039-T-C.
Identifiers: ClinVar variation 351652 (VCV000351652.5), dbSNP rs145210501, ClinGen allele CA10623333.

ClinVar aggregate classification (germline): Conflicting classifications of pathogenicity. Review status: criteria provided, conflicting classifications (1 of 4 stars). 2 submissions from 1 submitter: Uncertain significance (1); Likely benign (1). Last evaluated 2018-01-13.

Conditions:
Charcot-Marie-Tooth disease type 4C (CMT4C). Also called: CHARCOT-MARIE-TOOTH DISEASE, DEMYELINATING, AUTOSOMAL RECESSIVE, TYPE 4C; CMT 4C; Charcot-Marie-Tooth Neuropathy Type 4C (CMT4C); CHARCOT-MARIE-TOOTH DISEASE, DEMYELINATING, TYPE 4C; SH3TC2-Related Hereditary Motor and Sensory Neuropathy. Identifiers: Orphanet 99949, MedGen C1866636, MONDO:0011113, OMIM 601596.
Susceptibility to mononeuropathy of the median nerve, mild. Also called: CARPAL TUNNEL SYNDROME, SUSCEPTIBILITY TO. Identifiers: MedGen C3150596, MONDO:0013237, OMIM 613353.

Allele frequency attached by ClinVar (database versions not stated): gnomAD 0.00038; TOPMed 0.00041; 1000 Genomes Project 30x 0.00047; 1000 Genomes Project 0.00060.
gnomAD v4.1: 72 of 152,296 alleles (0.047%); highest among the groups gnomAD compares: South Asian, 0.12%; no homozygotes.

Submissions (2):

Illumina Laboratory Services, Illumina
Classification: Uncertain significance for Charcot-Marie-Tooth disease type 4C. Last evaluated: 2018-01-13. Review status: criteria provided, single submitter. Criteria: ICSL Variant Classification Criteria 13 December 2019. Collection method: clinical testing. Allele origin: germline.

Illumina Laboratory Services, Illumina
Classification: Likely benign for Susceptibility to mononeuropathy of the median nerve, mild. Last evaluated: 2018-01-13. Review status: criteria provided, single submitter. Criteria: ICSL Variant Classification Criteria 13 December 2019. Collection method: clinical testing. Allele origin: germline.
Comment: This variant was observed in the ICSL laboratory as part of a predisposition screen in an ostensibly healthy population. It had not been previously curated by ICSL or reported in the Human Gene Mutation Database (HGMD: prior to June 1st, 2018), and was therefore a candidate for classification through an automated scoring system. Utilizing variant allele frequency, disease prevalence and penetrance estimates, and inheritance mode, an automated score was calculated to assess if this variant is too frequent to cause the disease. Based on the score and internal cut-off values, a variant classified as likely benign is not then subjected to further curation. The score for this variant resulted in a classification of likely benign for this disease.